The following is an entry in ClinVar:

ClinVar aggregate classification (germline): Pathogenic/Likely pathogenic. Review status: criteria provided, multiple submitters, no conflicts (2 of 4 stars). 9 submissions from 9 submitters: Pathogenic (3); Likely pathogenic (5). 1 of the submissions does not count toward it. Last evaluated 2026-07-01.

Conditions:
Mitochondrial complex IV deficiency, nuclear type 3. Also called: Mitochondrial complex 4 deficiency, nuclear type 3. Identifiers: MedGen C5436682, MONDO:0033635, OMIM 619046.
Mitochondrial complex IV deficiency, nuclear type 1 (MC4DN1). Also called: COX DEFICIENCY; Complex 4 mitochondrial respiratory chain deficiency; Deficiency of mitochondrial respiratory chain complex4; Complex IV deficiency; Mitochondrial complex IV deficiency. Identifiers: MedGen C5435656, MONDO:0700250, OMIM 220110. Disease mechanism: loss of function.

Allele frequency attached by ClinVar (database versions not stated): gnomAD 0.00007 and 0.00006; ExAC 0.00006; 1000 Genomes Project 30x 0.00016; TOPMed 0.00006; gnomAD exomes 0.00008 and 0.00014; 1000 Genomes Project 0.00020.
gnomAD v4.1: 206 of 1,614,004 alleles (0.013%); highest among the groups gnomAD compares: Non-Finnish European, 0.017%; no homozygotes.

Submissions (10):

CeGaT Center for Human Genetics Tuebingen
Classification: Pathogenic. Last evaluated: 2026-07-01. Review status: criteria provided, single submitter. Criteria: CeGaT Center For Human Genetics Tuebingen Variant Classification Criteria Version 2. Collection method: clinical testing. Allele origin: germline. Affected: yes. Observed: 1 variant allele.
Comment: COX10: PM3:Strong, PM2, PM5, PP3, PS3:Supporting

Women's Health and Genetics/Laboratory Corporation of America, LabCorp
Classification: Likely pathogenic for Mitochondrial complex IV deficiency, nuclear type 3. Last evaluated: 2026-05-14. Review status: criteria provided, single submitter. Criteria: LabCorp Variant Classification Summary - May 2015. Collection method: clinical testing. Allele origin: germline.
Comment: Variant summary: COX10 c.1007A>T (p.Asp336Val) results in a non-conservative amino acid change in the encoded protein sequence. Algorithms developed to predict the effect of missense changes on protein structure and function all suggest that this variant is likely to be disruptive. The variant allele was found at a frequency of 8e-05 in 250112 control chromosomes. This frequency is not significantly higher than estimated for disease-causing variants in COX10, allowing no conclusion about variant significance. c.1007A>T has been reported in the literature in compound heterozygous individuals affected with Cytochrome c oxidase deficiency (Antonicka_2003, Riley_2020, Pitceathly_2013). These data indicate that the variant may be associated with disease. At least three publications report experimental evidence evaluating an impact on protein function and this variant results in a catalytically inactive enzyme (Khalimonchuk_2012, Pitceathly_2013, Voges_2024). The following publications have been ascertained in the context of this evaluation (PMID: 12928484, 22669974, 24100867, 32313153, 39152498). ClinVar contains an entry for this variant (Variation ID: 7525). Based on the evidence outlined above, the variant was classified as likely pathogenic.

First Genomix Gene Laboratory, Genetic Diagnostics Department
Classification: Likely pathogenic for Mitochondrial complex IV deficiency, nuclear type 3. Last evaluated: 2025-03-24. Review status: criteria provided, single submitter. Criteria: ACMG Guidelines, 2015. Collection method: clinical testing. Allele origin: germline. Inheritance: Autosomal recessive inheritance. Affected: no. Observed: 1 variant allele.

Labcorp Genetics (formerly Invitae), Labcorp
Classification: Likely pathogenic. Last evaluated: 2024-11-11. Review status: criteria provided, single submitter. Criteria: Invitae Variant Classification Sherloc (09022015). Collection method: clinical testing. Allele origin: germline.
Comment: This sequence change replaces aspartic acid, which is acidic and polar, with valine, which is neutral and non-polar, at codon 336 of the COX10 protein (p.Asp336Val). This variant is present in population databases (rs104894557, gnomAD 0.02%). This missense change has been observed in individuals with clinical features consistent with mitochondrial complex IV deficiency (PMID: 12928484, 24100867, 32313153). ClinVar contains an entry for this variant (Variation ID: 7525). Invitae Evidence Modeling of protein sequence and biophysical properties (such as structural, functional, and spatial information, amino acid conservation, physicochemical variation, residue mobility, and thermodynamic stability) indicates that this missense variant is expected to disrupt COX10 protein function with a positive predictive value of 80%. Experimental studies have shown that this missense change affects COX10 function (PMID: 22669974, 24100867). In summary, the currently available evidence indicates that the variant is pathogenic, but additional data are needed to prove that conclusively. Therefore, this variant has been classified as Likely Pathogenic.

Fulgent Genetics
Classification: Likely pathogenic for Mitochondrial complex IV deficiency, nuclear type 3. Last evaluated: 2021-07-30. Review status: criteria provided, single submitter. Criteria: ACMG Guidelines, 2015. Collection method: clinical testing. Allele origin: unknown.

Revvity Omics, Revvity
Classification: Likely pathogenic for Mitochondrial complex IV deficiency, nuclear type 3. Last evaluated: 2021-05-27. Review status: criteria provided, single submitter. Criteria: ACMG Guidelines, 2015. Collection method: clinical testing. Allele origin: germline.

Institute of Human Genetics Munich, TUM University Hospital
Classification: Pathogenic for Mitochondrial complex IV deficiency, nuclear type 1. Last evaluated: 2018-08-20. Review status: criteria provided, single submitter. Criteria: Classification criteria August 2017. Collection method: clinical testing. Allele origin: maternal. Inheritance: Autosomal recessive inheritance. Affected: yes. Observed: 1 compound heterozygote.

Kids Research, The Children's Hospital at Westmead
Classification: Pathogenic for Mitochondrial complex IV deficiency, nuclear type 1. Review status: criteria provided, single submitter. Criteria: ACMG Guidelines, 2015. Collection method: research. Allele origin: inherited. Inheritance: Autosomal recessive inheritance. Affected: yes.

OMIM
Classification: Pathogenic for MITOCHONDRIAL COMPLEX IV DEFICIENCY, NUCLEAR TYPE 3. Last evaluated: 2003-10-15. Review status: no assertion criteria provided. Collection method: literature only. Allele origin: germline. Not counted in ClinVar's aggregate classification.

Johnston Lab, North Central College
No classification provided (evidence only). Review status: no classification provided. Collection method: in vitro. Allele origin: not applicable. Functional consequence: loss_of_function_variant. Not counted in ClinVar's aggregate classification.
ClinVar note: "not provided" was previously submitted as the classification for the variant. However, the classification appeared to be based only on an observation of functional data so it was converted to no classification on 2025-07-30.

Literature cited by the submitters: PubMed 32313153 (cited by 3 submitters); PubMed 12928484 (cited by 3 submitters); PubMed 22669974 (cited by Women's Health and Genetics/Laboratory Corporation of America, LabCorp and Labcorp Genetics (formerly Invitae), Labcorp); PubMed 24100867 (cited by Women's Health and Genetics/Laboratory Corporation of America, LabCorp and Labcorp Genetics (formerly Invitae), Labcorp); PubMed 39152498 (cited by Women's Health and Genetics/Laboratory Corporation of America, LabCorp).

NM_001303.4(COX10):c.1007A>T (p.Asp336Val)

Gene: COX10 (cytochrome c oxidase assembly factor heme A:farnesyltransferase COX10; plus strand). Cytogenetic location: 17p12.
Variant type: single nucleotide variant.
Coding change: c.1007A>T on transcript NM_001303.4 (MANE Select); coding-DNA position 1007, A replaced by T.
Protein change: p.Asp336Val; replaces aspartic acid 336 with valine.
Molecular consequence: missense variant.
Genome position (GRCh38, 1-based): chr17:14,206,888, A>T. VCF-style: chr17-14206888-A-T. GRCh37 (hg19) VCF-style: chr17-14110205-A-T.
Other names: short protein forms D336V.
Identifiers: ClinVar variation 7525 (VCV000007525.20), dbSNP rs104894557, ClinGen allele CA118862.